The following is an entry in ClinVar:

NM_001130823.3(DNMT1):c.3281G>T (p.Gly1094Val)

Gene: DNMT1 (DNA methyltransferase 1; minus strand). Cytogenetic location: 19p13.2.
Variant type: single nucleotide variant.
Coding change: c.3281G>T on transcript NM_001130823.3 (MANE Select); coding-DNA position 3281, G replaced by T.
Protein change: p.Gly1094Val; replaces glycine 1094 with valine.
Molecular consequence: missense variant.
Genome position (GRCh38, 1-based): chr19:10,142,056, C>A on the plus strand (G>T on the coding strand, the complement: DNMT1 is on the minus strand). VCF-style: chr19-10142056-C-A. GRCh37 (hg19) VCF-style: chr19-10252732-C-A.
Other names: c.3233G>T, p.Gly1078Val (NM_001318730.2, NM_001379.4); c.2918G>T, p.Gly973Val (NM_001318731.2); short protein forms G1094V, G973V, G1078V.
Identifiers: ClinVar variation 2847438 (VCV002847438.3), dbSNP rs2513785743, ClinGen allele CA403974758.

ClinVar aggregate classification (germline): Uncertain significance (1 of 4 stars; one submission).

Conditions:
Hereditary sensory neuropathy-deafness-dementia syndrome. Also called: NEUROPATHY, HEREDITARY SENSORY, WITH HEARING LOSS AND DEMENTIA; HSN IE; Hereditary Sensory and Autonomic Neuropathy Type 1E (HSAN1E); Hereditary sensory neuropathy type IE. Identifiers: Orphanet 456318, MedGen C3279885, MONDO:0013584, OMIM 614116.

Submission:

Labcorp Genetics (formerly Invitae), Labcorp
Classification: Uncertain significance for Hereditary sensory neuropathy-deafness-dementia syndrome. Last evaluated: 2023-04-16. Review status: criteria provided, single submitter. Criteria: Invitae Variant Classification Sherloc (09022015). Collection method: clinical testing. Allele origin: germline.
Comment: Algorithms developed to predict the effect of sequence changes on RNA splicing suggest that this variant may create or strengthen a splice site. This sequence change replaces glycine, which is neutral and non-polar, with valine, which is neutral and non-polar, at codon 1094 of the DNMT1 protein (p.Gly1094Val). This variant is not present in population databases (gnomAD no frequency). This variant has not been reported in the literature in individuals affected with DNMT1-related conditions. Advanced modeling of protein sequence and biophysical properties (such as structural, functional, and spatial information, amino acid conservation, physicochemical variation, residue mobility, and thermodynamic stability) performed at Invitae indicates that this missense variant is not expected to disrupt DNMT1 protein function. In summary, the available evidence is currently insufficient to determine the role of this variant in disease. Therefore, it has been classified as a Variant of Uncertain Significance.